The following is an entry in ClinVar:

NM_000142.5(FGFR3):c.573C>T (p.Asn191=)

Gene: FGFR3 (fibroblast growth factor receptor 3; plus strand). Cytogenetic location: 4p16.3.
Variant type: single nucleotide variant.
Coding change: c.573C>T on transcript NM_000142.5 (MANE Select); coding-DNA position 573, C replaced by T.
Protein change: p.Asn191=; no amino-acid change (asparagine 191 retained).
Molecular consequence: synonymous variant. On other transcripts: non-coding transcript variant (1).
Genome position (GRCh38, 1-based): chr4:1,801,494, C>T. VCF-style: chr4-1801494-C-T. GRCh37 (hg19) VCF-style: chr4-1803221-C-T.
Other names: c.573C>T, p.Asn191= (NM_001163213.2, NM_001354809.2, NM_001354810.2 and 1 more transcripts).
Identifiers: ClinVar variation 392720 (VCV000392720.18), dbSNP rs377492283, ClinGen allele CA2809869.

ClinVar aggregate classification (germline): Likely benign. Review status: criteria provided, multiple submitters, no conflicts (2 of 4 stars). 6 submissions from 6 submitters: Likely benign (5). 1 of the submissions does not count toward it. Last evaluated 2026-01-07.

Conditions:
Inborn genetic diseases. Identifiers: MedGen C0950123, MeSH D030342.
FGFR3-related disorder. Also called: FGFR3-related disorders.

Allele frequency attached by ClinVar (database versions not stated): gnomAD 0.00004; ESP Exome Variant Server 0.00008; TOPMed 0.00008; ExAC 0.00012; gnomAD exomes 0.00014.

Submissions (6):

Women's Health and Genetics/Laboratory Corporation of America, LabCorp
Classification: Likely benign. Last evaluated: 2026-01-07. Review status: criteria provided, single submitter. Criteria: LabCorp Variant Classification Summary - May 2015. Collection method: clinical testing. Allele origin: germline.

Labcorp Genetics (formerly Invitae), Labcorp
Classification: Likely benign. Last evaluated: 2025-11-24. Review status: criteria provided, single submitter. Criteria: Invitae Variant Classification Sherloc (09022015). Collection method: clinical testing. Allele origin: germline.

Ambry Genetics
Classification: Likely benign for Inborn genetic diseases. Last evaluated: 2025-01-17. Review status: criteria provided, single submitter. Criteria: Ambry Variant Classification Scheme 2023. Collection method: clinical testing. Allele origin: germline.

Blueprint Genetics
Classification: Likely benign. Last evaluated: 2024-01-29. Review status: criteria provided, single submitter. Criteria: ACMG Guidelines, 2015. Collection method: clinical testing. Allele origin: germline.

GeneDx
Classification: Likely benign. Last evaluated: 2021-11-04. Review status: criteria provided, single submitter. Criteria: GeneDx Variant Classification Process June 2021. Collection method: clinical testing. Allele origin: germline. Affected: yes.

PreventionGenetics, part of Exact Sciences
Classification: Likely benign for FGFR3-related condition. Last evaluated: 2019-09-11. Review status: no assertion criteria provided. Collection method: clinical testing. Allele origin: germline. Not counted in ClinVar's aggregate classification.
Comment: This variant is classified as likely benign based on ACMG/AMP sequence variant interpretation guidelines (Richards et al. 2015 PMID: 25741868, with internal and published modifications).